The following is an entry in ClinVar:

ClinVar aggregate classification (germline): Likely benign. Review status: criteria provided, single submitter (1 of 4 stars). 2 submissions from 2 submitters: Likely benign (1). 1 of the submissions does not count toward it. Last evaluated 2024-07-08.

Conditions:
ATP2B3-related disorder. Also called: ATP2B3-related condition.

Allele frequency attached by ClinVar (database versions not stated): ExAC 0.00042; ESP Exome Variant Server 0.00047; gnomAD exomes 0.00056; gnomAD 0.00058.

Submissions (2):

Blueprint Genetics
Classification: Likely benign. Last evaluated: 2024-07-08. Review status: criteria provided, single submitter. Criteria: ACMG Guidelines, 2015. Collection method: clinical testing. Allele origin: germline.

PreventionGenetics, part of Exact Sciences
Classification: Likely benign for ATP2B3-related condition. Last evaluated: 2019-03-19. Review status: no assertion criteria provided. Collection method: clinical testing. Allele origin: germline. Not counted in ClinVar's aggregate classification.
Comment: This variant is classified as likely benign based on ACMG/AMP sequence variant interpretation guidelines (Richards et al. 2015 PMID: 25741868, with internal and published modifications).

NM_001001344.3(ATP2B3):c.3342+4552G>A

Gene: ATP2B3 (ATPase plasma membrane Ca2+ transporting 3; plus strand). Cytogenetic location: Xq28.
Variant type: single nucleotide variant.
Coding change: c.3342+4552G>A on transcript NM_001001344.3 (MANE Select); 4552 bases into the intron after coding-DNA position 3342, G replaced by A.
Molecular consequence: intron variant. On other transcripts: missense variant (3).
Genome position (GRCh38, 1-based): chrX:153,569,655, G>A. VCF-style: chrX-153569655-G-A. GRCh37 (hg19) VCF-style: chrX-152835113-G-A.
Other names: c.3395G>A, p.Arg1132His (NM_001388360.1, NM_021949.4); c.3353G>A, p.Arg1118His (NM_001410708.1); c.3342+4552G>A (NM_001388361.1); short protein forms R1118H, R1132H.
Identifiers: ClinVar variation 3059745 (VCV003059745.3), dbSNP rs149106629, ClinGen allele CA10548198.
Genomic context (GRCh38, chrX:153,569,655, plus strand): 5'-TCCCACAGATGGAGGTAGTGAGTACCTTCAAGAGAAGCGGTTCAGTTCAGGGTGCTGTGC[G>A]CCGGCGGTCTTCGGTCCTCAGCCAGCTTCATGACGTAACCAATCTTTCTACCCCTACTCA-3'